The following is an entry in ClinVar:

ClinVar aggregate classification (germline): Benign/Likely benign. Review status: criteria provided, multiple submitters, no conflicts (2 of 4 stars). 15 submissions from 13 submitters: Benign (10); Likely benign (3). 2 of the submissions do not count toward it. Last evaluated 2026-02-03.

Conditions:
Arrhythmogenic cardiomyopathy with wooly hair and keratoderma. Also called: PALMOPLANTAR KERATODERMA WITH LEFT VENTRICULAR CARDIOMYOPATHY AND WOOLLY HAIR; Arrhythmogenic cardiomyopathy with woolly hair and keratoderma; Dilated cardiomyopathy with woolly hair and keratoderma; Carvajal syndrome. Identifiers: Orphanet 65282, MedGen C1854063, MONDO:0011581, OMIM 605676.
Arrhythmogenic right ventricular dysplasia 8 (ARVD8). Also called: Arrhythmogenic Right Ventricular Dysplasia/Cardiomyopathy 8; ARRHYTHMOGENIC RIGHT VENTRICULAR DYSPLASIA, FAMILIAL, 8; ARRHYTHMOGENIC RIGHT VENTRICULAR CARDIOMYOPATHY 8. Identifiers: MedGen C1843896, MONDO:0011831, OMIM 607450.
Cardiomyopathy (CMYO). Also called: Cardiomyopathies. Identifiers: Orphanet 167848, MedGen C0878544, MONDO:0004994, HP:0001638. Inheritance: Various modes of inheritance.
Lethal acantholytic epidermolysis bullosa (EBLA). Identifiers: Orphanet 158687, MedGen C1864826, MONDO:0012323, OMIM 609638.
Woolly hair-skin fragility syndrome (WHSF). Identifiers: Orphanet 293165, MedGen C1843292, MONDO:0957307, OMIM 620415.

Allele frequency attached by ClinVar (database versions not stated): gnomAD exomes 0.00057 and 0.00161; ExAC 0.00185; 1000 Genomes Project 30x 0.00344; 1000 Genomes Project 0.00379; gnomAD 0.00466 and 0.00494; TOPMed 0.00526; ESP Exome Variant Server 0.00646.
gnomAD v4.1: 1,595 of 1,609,774 alleles (0.099%); highest among the groups gnomAD compares: African/African-American, 1.5%; 13 homozygotes.

Submissions (15):

Labcorp Genetics (formerly Invitae), Labcorp
Classification: Benign for Arrhythmogenic cardiomyopathy with wooly hair and keratoderma; Arrhythmogenic right ventricular dysplasia 8. Last evaluated: 2026-02-03. Review status: criteria provided, single submitter. Criteria: Invitae Variant Classification Sherloc (09022015). Collection method: clinical testing. Allele origin: germline.

Molecular Diagnostic Laboratory for Inherited Cardiovascular Disease, Montreal Heart Institute
Classification: Benign. Last evaluated: 2025-02-17. Review status: criteria provided, single submitter. Criteria: ACMG Guidelines, 2015. Collection method: clinical testing. Allele origin: germline. Affected: no.

Blueprint Genetics
Classification: Likely benign. Last evaluated: 2024-11-22. Review status: criteria provided, single submitter. Criteria: ACMG Guidelines, 2015. Collection method: clinical testing. Allele origin: germline.

ARUP Laboratories, Molecular Genetics and Genomics, ARUP Laboratories
Classification: Benign. Last evaluated: 2024-11-20. Review status: criteria provided, single submitter. Criteria: ARUP Molecular Germline Variant Investigation Process 2024. Collection method: clinical testing. Allele origin: germline.

Color Diagnostics, LLC DBA Color Health
Classification: Benign for Cardiomyopathy. Last evaluated: 2018-04-28. Review status: criteria provided, single submitter. Criteria: ACMG Guidelines, 2015. Collection method: clinical testing. Allele origin: germline.

Illumina Laboratory Services, Illumina
Classification: Likely benign for Arrhythmogenic right ventricular dysplasia 8. Last evaluated: 2018-01-13. Review status: criteria provided, single submitter. Criteria: ICSL Variant Classification Criteria 13 December 2019. Collection method: clinical testing. Allele origin: germline.
Comment: This variant was observed in the ICSL laboratory as part of a predisposition screen in an ostensibly healthy population. It had not been previously curated by ICSL or reported in the Human Gene Mutation Database (HGMD: prior to June 1st, 2018), and was therefore a candidate for classification through an automated scoring system. Utilizing variant allele frequency, disease prevalence and penetrance estimates, and inheritance mode, an automated score was calculated to assess if this variant is too frequent to cause the disease. Based on the score and internal cut-off values, a variant classified as likely benign is not then subjected to further curation. The score for this variant resulted in a classification of likely benign for this disease.

Illumina Laboratory Services, Illumina
Classification: Benign for Arrhythmogenic cardiomyopathy with wooly hair and keratoderma. Last evaluated: 2018-01-13. Review status: criteria provided, single submitter. Criteria: ICSL Variant Classification Criteria 13 December 2019. Collection method: clinical testing. Allele origin: germline.
Comment: This variant was observed in the ICSL laboratory as part of a predisposition screen in an ostensibly healthy population. It had not been previously curated by ICSL or reported in the Human Gene Mutation Database (HGMD: prior to June 1st, 2018), and was therefore a candidate for classification through an automated scoring system. Utilizing variant allele frequency, disease prevalence and penetrance estimates, and inheritance mode, an automated score was calculated to assess if this variant is too frequent to cause the disease. Based on the score and internal cut-off values, a variant classified as benign is not then subjected to further curation. The score for this variant resulted in a classification of benign for this disease.

Illumina Laboratory Services, Illumina
Classification: Benign for Lethal acantholytic epidermolysis bullosa. Last evaluated: 2018-01-13. Review status: criteria provided, single submitter. Criteria: ICSL Variant Classification Criteria 13 December 2019. Collection method: clinical testing. Allele origin: germline.
Comment: the same text as in the submission from Illumina Laboratory Services, Illumina above.

Mayo Clinic Laboratories, Mayo Clinic
Classification: Benign. Last evaluated: 2017-07-18. Review status: criteria provided, single submitter. Criteria: ACMG Guidelines, 2015. Collection method: clinical testing. Allele origin: germline. Observed: 5 variant alleles.

CHEO Genetics Diagnostic Laboratory, Children's Hospital of Eastern Ontario
Classification: Benign for Cardiomyopathy. Last evaluated: 2016-01-19. Review status: criteria provided, single submitter. Criteria: ACMG Guidelines, 2015. Collection method: clinical testing. Allele origin: germline. Study: Canadian Open Genetics Repository.

Laboratory for Molecular Medicine, Mass General Brigham Personalized Medicine
Classification: Benign. Last evaluated: 2012-04-13. Review status: criteria provided, single submitter. Criteria: LMM Criteria. Collection method: clinical testing. Allele origin: germline. Observed: 7 variant alleles.
Comment: Ser2827Ser in exon 24 of DSP: This variant is not expected to have clinical sign ificance because it does not alter an amino acid residue, is not located within the splice consensus sequence, and it has been identified in 1.8% (68/3738) of African American chromosomes from a broad population by the NHLBI Exome Sequenci ng Project (dbSNP rs151029175)

GeneDx
Classification: Benign. Last evaluated: 2012-04-07. Review status: criteria provided, single submitter. Criteria: GeneDx Variant Classification (06012015). Collection method: clinical testing. Allele origin: germline. Affected: yes.
Comment: This variant is considered likely benign or benign based on one or more of the following criteria: it is a conservative change, it occurs at a poorly conserved position in the protein, it is predicted to be benign by multiple in silico algorithms, and/or has population frequency not consistent with disease.

Breakthrough Genomics
Classification: Likely benign. Review status: criteria provided, single submitter. Criteria: ACMG Guidelines, 2015. Collection method: not provided. Allele origin: germline. Inheritance: Autosomal recessive inheritance. Affected: yes.

Clinical Genetics DNA and cytogenetics Diagnostics Lab, Erasmus MC, Erasmus Medical Center
Classification: Benign. Review status: no assertion criteria provided. Collection method: clinical testing. Allele origin: germline. Affected: yes. Study: VKGL Data-share Consensus. Not counted in ClinVar's aggregate classification.

Clinical Genetics, Academic Medical Center
Classification: Benign. Review status: no assertion criteria provided. Collection method: clinical testing. Allele origin: germline. Affected: yes. Study: VKGL Data-share Consensus. Not counted in ClinVar's aggregate classification.

NM_004415.4(DSP):c.8481C>T (p.Ser2827=)

Gene: DSP (desmoplakin; plus strand). Cytogenetic location: 6p24.3.
Variant type: single nucleotide variant.
Coding change: c.8481C>T on transcript NM_004415.4 (MANE Select); coding-DNA position 8481, C replaced by T.
Protein change: p.Ser2827=; no amino-acid change (serine 2827 retained).
Molecular consequence: synonymous variant.
Genome position (GRCh38, 1-based): chr6:7,585,743, C>T. VCF-style: chr6-7585743-C-T. GRCh37 (hg19) VCF-style: chr6-7585976-C-T.
Other names: p.S2827S:TCC>TCT; p.Ser2827=; c.6684C>T, p.Ser2228= (NM_001008844.3); c.7152C>T, p.Ser2384= (NM_001319034.2); c.8481C>T (NM_004415.3).
Identifiers: ClinVar variation 44971 (VCV000044971.30), dbSNP rs151029175, ClinGen allele CA007634.
Genomic context (GRCh38, chr6:7,585,743, plus strand): 5'-CGTGTCGTCCAAGGGCTTACCCAGCCCTTACAACATGTCTTCGGCTCCGGGGTCCCGCTC[C>T]GGCTCCCGCTCGGGATCTCGCTCCGGATCTCGCTCCGGGTCCCGCAGTGGGTCCCGGAGA-3'
Protein context (NP_004406.2, residues 2817-2837): YNMSSAPGSR[Ser2827=]GSRSGSRSGS